The following is an entry in ClinVar:

ClinVar aggregate classification (germline): Conflicting classifications of pathogenicity. Review status: criteria provided, conflicting classifications (1 of 4 stars). 5 submissions from 5 submitters: Uncertain significance (4); Likely benign (1). Last evaluated 2026-02-09.

Conditions:
Left ventricular noncompaction 8 (LVNC8). Identifiers: Orphanet 154, Orphanet 54260, MedGen C3809288, MONDO:0014152, OMIM 615373.
Inborn genetic diseases. Identifiers: MedGen C0950123, MeSH D030342.

Allele frequency attached by ClinVar (database versions not stated): gnomAD exomes 0.00002 and 0.00004; ExAC 0.00004; gnomAD 0.00006 and 0.00007; TOPMed 0.00008.
gnomAD v4.1: 42 of 1,586,274 alleles (0.0026%); highest among the groups gnomAD compares: Admixed American, 0.036%; no homozygotes.

Submissions (5):

Women's Health and Genetics/Laboratory Corporation of America, LabCorp
Classification: Uncertain significance. Last evaluated: 2026-02-09. Review status: criteria provided, single submitter. Criteria: LabCorp Variant Classification Summary - May 2015. Collection method: clinical testing. Allele origin: germline.

Labcorp Genetics (formerly Invitae), Labcorp
Classification: Uncertain significance for Left ventricular noncompaction 8. Last evaluated: 2026-01-27. Review status: criteria provided, single submitter. Criteria: Invitae Variant Classification Sherloc (09022015). Collection method: clinical testing. Allele origin: germline.
Comment: This sequence change replaces glycine, which is neutral and non-polar, with aspartic acid, which is acidic and polar, at codon 111 of the PRDM16 protein (p.Gly111Asp). This variant is present in population databases (rs755705452, gnomAD 0.02%). This variant has not been reported in the literature in individuals affected with PRDM16-related conditions. ClinVar contains an entry for this variant (Variation ID: 474427). An algorithm developed to predict the effect of missense changes on protein structure and function (PolyPhen-2) suggests that this variant is likely to be disruptive. In summary, the available evidence is currently insufficient to determine the role of this variant in disease. Therefore, it has been classified as a Variant of Uncertain Significance.

GeneDx
Classification: Uncertain significance. Last evaluated: 2025-11-19. Review status: criteria provided, single submitter. Criteria: GeneDx Variant Classification Process June 2021. Collection method: clinical testing. Allele origin: germline. Affected: yes.
Comment: In silico analysis supports that this missense variant has a deleterious effect on protein structure/function; Has not been previously published as pathogenic or benign to our knowledge

Blueprint Genetics
Classification: Likely benign. Last evaluated: 2024-08-20. Review status: criteria provided, single submitter. Criteria: ACMG Guidelines, 2015. Collection method: clinical testing. Allele origin: germline.

Ambry Genetics
Classification: Uncertain significance for Inborn genetic diseases. Last evaluated: 2024-03-20. Review status: criteria provided, single submitter. Criteria: Ambry Variant Classification Scheme 2023. Collection method: clinical testing. Allele origin: germline.

NM_022114.4(PRDM16):c.332G>A (p.Gly111Asp)

Gene: PRDM16 (PR/SET domain 16; plus strand). Cytogenetic location: 1p36.32.
Variant type: single nucleotide variant.
Coding change: c.332G>A on transcript NM_022114.4 (MANE Select); coding-DNA position 332, G replaced by A.
Protein change: p.Gly111Asp; replaces glycine 111 with aspartic acid.
Molecular consequence: missense variant.
Genome position (GRCh38, 1-based): chr1:3,186,419, G>A. VCF-style: chr1-3186419-G-A. GRCh37 (hg19) VCF-style: chr1-3102983-G-A.
Other names: c.332G>A, p.Gly111Asp (NM_199454.3); short protein forms G111D.
Identifiers: ClinVar variation 474427 (VCV000474427.12), dbSNP rs755705452, ClinGen allele CA543742.
Genomic context (GRCh38, chr1:3,186,419, plus strand): 5'-TCCCAGGGGCTGGCCTGGGGGTCTGGGCCAAGAGGAAGATGGAAGCCGGGGAGAGGCTGG[G>A]CCCCTGCGTGGTGGTGCCCCGGGCGGCGGCAAAGGAGACAGACTTCGGATGGGAGGTGAG-3'
Protein context (NP_071397.3, residues 101-121): KRKMEAGERL[Gly111Asp]PCVVVPRAAA